The following is an entry in ClinVar:

ClinVar aggregate classification (germline): Uncertain significance (1 of 4 stars; one submission).

Submission:

Labcorp Genetics (formerly Invitae), Labcorp
Classification: Uncertain significance. Last evaluated: 2022-10-04. Review status: criteria provided, single submitter. Criteria: Invitae Variant Classification Sherloc (09022015). Collection method: clinical testing. Allele origin: germline.
Comment: In summary, the available evidence is currently insufficient to determine the role of this variant in disease. Therefore, it has been classified as a Variant of Uncertain Significance. Advanced modeling of protein sequence and biophysical properties (such as structural, functional, and spatial information, amino acid conservation, physicochemical variation, residue mobility, and thermodynamic stability) performed at Invitae indicates that this missense variant is expected to disrupt CDH3 protein function. ClinVar contains an entry for this variant (Variation ID: 1406551). This variant has not been reported in the literature in individuals affected with CDH3-related conditions. This variant is not present in population databases (gnomAD no frequency). This sequence change replaces glycine, which is neutral and non-polar, with serine, which is neutral and polar, at codon 165 of the CDH3 protein (p.Gly165Ser).

NM_001793.6(CDH3):c.493G>A (p.Gly165Ser)

Gene: CDH3 (cadherin 3; plus strand). Cytogenetic location: 16q22.1.
Variant type: single nucleotide variant.
Coding change: c.493G>A on transcript NM_001793.6 (MANE Select); coding-DNA position 493, G replaced by A.
Protein change: p.Gly165Ser; replaces glycine 165 with serine.
Molecular consequence: missense variant.
Genome position (GRCh38, 1-based): chr16:68,678,603, G>A. VCF-style: chr16-68678603-G-A. GRCh37 (hg19) VCF-style: chr16-68712506-G-A.
Other names: c.493G>A, p.Gly165Ser (NM_001317195.3); c.328G>A, p.Gly110Ser (NM_001317196.2); short protein forms G110S, G165S.
Identifiers: ClinVar variation 1406551 (VCV001406551.9), dbSNP rs2152100073, ClinGen allele CA396449074.